The following is an entry in ClinVar:

ClinVar aggregate classification (germline): Uncertain significance. Review status: criteria provided, multiple submitters, no conflicts (2 of 4 stars). 2 submissions from 2 submitters: Uncertain significance (2). Last evaluated 2025-08-26.

Allele frequency attached by ClinVar (database versions not stated): TOPMed 0.00003; ESP Exome Variant Server 0.00008; gnomAD 0.00005.
gnomAD v4.1: 84 of 1,613,862 alleles (0.0052%); highest among the groups gnomAD compares: Non-Finnish European, 0.0069%; 1 homozygote.

Submissions (2):

Ambry Genetics
Classification: Uncertain significance. Last evaluated: 2025-08-26. Review status: criteria provided, single submitter. Criteria: Ambry Variant Classification Scheme 2023. Collection method: clinical testing. Allele origin: germline.

Labcorp Genetics (formerly Invitae), Labcorp
Classification: Uncertain significance. Last evaluated: 2022-06-28. Review status: criteria provided, single submitter. Criteria: Invitae Variant Classification Sherloc (09022015). Collection method: clinical testing. Allele origin: germline.
Comment: In summary, the available evidence is currently insufficient to determine the role of this variant in disease. Therefore, it has been classified as a Variant of Uncertain Significance. Algorithms developed to predict the effect of missense changes on protein structure and function are either unavailable or do not agree on the potential impact of this missense change (SIFT: "Deleterious"; PolyPhen-2: "Benign"; Align-GVGD: "Class C0"). This variant has not been reported in the literature in individuals affected with MTMR14-related conditions. This variant is present in population databases (rs371569636, gnomAD 0.005%). This sequence change replaces proline, which is neutral and non-polar, with serine, which is neutral and polar, at codon 454 of the MTMR14 protein (p.Pro454Ser).

NM_001077525.3(MTMR14):c.1360C>T (p.Pro454Ser)

Gene: MTMR14 (myotubularin related protein 14; plus strand). Cytogenetic location: 3p25.3.
Variant type: single nucleotide variant.
Coding change: c.1360C>T on transcript NM_001077525.3 (MANE Select); coding-DNA position 1360, C replaced by T.
Protein change: p.Pro454Ser; replaces proline 454 with serine.
Molecular consequence: missense variant. On other transcripts: non-coding transcript variant (9).
Genome position (GRCh38, 1-based): chr3:9,689,009, C>T. VCF-style: chr3-9689009-C-T. GRCh37 (hg19) VCF-style: chr3-9730693-C-T.
Other names: c.1360C>T (NM_022485.4); c.1360C>T, p.Pro454Ser (NM_001077526.3, NM_022485.5); c.1429C>T, p.Pro477Ser (NM_001400518.1, NM_001400521.1); c.1357C>T, p.Pro453Ser (NM_001400519.1, NM_001400522.1); c.1285C>T, p.Pro429Ser (NM_001400520.1, NM_001400523.1, NM_001400528.1); c.1114C>T, p.Pro372Ser (NM_001400524.1, NM_001400527.1, NM_001400530.1); c.1078C>T, p.Pro360Ser (NM_001400525.1, NM_001400529.1, NM_001400532.1); c.1354C>T, p.Pro452Ser (NM_001400526.1); and 6 more; short protein forms P453S, P167S, P372S, P452S, P215S, P371S, P429S, P240S.
Identifiers: ClinVar variation 2049663 (VCV002049663.5), dbSNP rs371569636, ClinGen allele CA2240737.
Genomic context (GRCh38, chr3:9,689,009, plus strand): 5'-AAGGACCGTGGCAGCACCACCAGCCTTGGCAGCGACTTCTCCCTGGTCATGGAGAGTTCC[C>T]CAGGAGCCACTGGGAGCTTCACCTATGAGGCCGTGGAGCTGGTCCCAGCAGGAGCGCCAA-3'
Protein context (NP_001070993.1, residues 444-464): SDFSLVMESS[Pro454Ser]GATGSFTYEA